The following is an entry in ClinVar:

ClinVar aggregate classification (germline): Likely benign. Review status: criteria provided, multiple submitters, no conflicts (2 of 4 stars). 4 submissions from 4 submitters: Likely benign (4). Last evaluated 2026-01-13.

Conditions:
PLEC-related disorder. Also called: PLEC-related disorders; PLEC-related condition.
Autosomal recessive limb-girdle muscular dystrophy type 2Q (LGMDR17). Also called: MUSCULAR DYSTROPHY, LIMB-GIRDLE, AUTOSOMAL RECESSIVE 17. Identifiers: Orphanet 254361, MedGen C3150989, MONDO:0013390, OMIM 613723.
Epidermolysis bullosa simplex with nail dystrophy (EBS5D). Identifiers: MedGen C4225309, MONDO:0014661, OMIM 616487.
Epidermolysis bullosa simplex 5C, with pyloric atresia (EBS5C). Also called: PLEC-Related Epidermolysis Bullosa with Pyloric Atresia; Epidermolysis bullosa simplex with pyloric atresia; PLEC1-Related Epidermolysis Bullosa with Pyloric Atresia. Identifiers: Orphanet 158684, MedGen C2677349, MONDO:0012807, OMIM 612138.
Epidermolysis bullosa simplex, Ogna type (EBS5A). Also called: Pidermolysis bullosa simplex 5A, Ogna type; EPIDERMOLYSIS BULLOSA SIMPLEX 5A, OGNA TYPE. Identifiers: Orphanet 79401, MedGen C0432317, MONDO:0007555, OMIM 131950.
Epidermolysis bullosa simplex 5B, with muscular dystrophy (EBS5B). Also called: EPIDERMOLYSIS BULLOSA SIMPLEX AND LIMB-GIRDLE MUSCULAR DYSTROPHY; Epidermolysis bullosa simplex with muscular dystrophy. Identifiers: Orphanet 257, MedGen C2931072, MONDO:0009181, OMIM 226670.

Allele frequency attached by ClinVar (database versions not stated): TOPMed 0.00018; gnomAD 0.00019.

Submissions (4):

Labcorp Genetics (formerly Invitae), Labcorp
Classification: Likely benign for Autosomal recessive limb-girdle muscular dystrophy type 2Q; Epidermolysis bullosa simplex, Ogna type; Epidermolysis bullosa simplex with nail dystrophy; Epidermolysis bullosa simplex 5C, with pyloric atresia; Epidermolysis bullosa simplex 5B, with muscular dystrophy. Last evaluated: 2026-01-13. Review status: criteria provided, single submitter. Criteria: Invitae Variant Classification Sherloc (09022015). Collection method: clinical testing. Allele origin: germline.

PreventionGenetics, part of Exact Sciences
Classification: Likely benign for PLEC-related condition. Last evaluated: 2025-01-07. Review status: criteria provided, single submitter. Criteria: ACMG Guidelines, 2015. Collection method: clinical testing. Allele origin: germline.
Comment: This variant is classified as likely benign based on ACMG/AMP sequence variant interpretation guidelines (Richards et al. 2015 PMID: 25741868, with internal and published modifications).

Mayo Clinic Laboratories, Mayo Clinic
Classification: Likely benign. Last evaluated: 2024-12-31. Review status: criteria provided, single submitter. Criteria: ACMG Guidelines, 2015. Collection method: clinical testing. Allele origin: germline. Observed: 5 variant alleles.
Comment: BP4, BP7

Blueprint Genetics
Classification: Likely benign. Last evaluated: 2024-11-13. Review status: criteria provided, single submitter. Criteria: ACMG Guidelines, 2015. Collection method: clinical testing. Allele origin: germline.

NM_201384.3(PLEC):c.4833G>A (p.Glu1611=)

Gene: PLEC (plectin; minus strand). Cytogenetic location: 8q24.3.
Variant type: single nucleotide variant.
Coding change: c.4833G>A on transcript NM_201384.3 (MANE Select); coding-DNA position 4833, G replaced by A.
Protein change: p.Glu1611=; no amino-acid change (glutamic acid 1611 retained).
Molecular consequence: synonymous variant.
Genome position (GRCh38, 1-based): chr8:143,925,096, C>T on the plus strand (G>A on the coding strand, the complement: PLEC is on the minus strand). VCF-style: chr8-143925096-C-T. GRCh37 (hg19) VCF-style: chr8-144999264-C-T.
Other names: p.Glu1597=; c.4914G>A, p.Glu1638= (NM_000445.5); c.4791G>A, p.Glu1597= (NM_201378.4); c.4767G>A, p.Glu1589= (NM_201379.3); c.5244G>A, p.Glu1748= (NM_201380.4); c.4737G>A, p.Glu1579= (NM_201381.3); c.4833G>A, p.Glu1611= (NM_201382.4); c.4845G>A, p.Glu1615= (NM_201383.3).
Identifiers: ClinVar variation 471594 (VCV000471594.14), dbSNP rs753327457, ClinGen allele CA4926528.